The following is an entry in ClinVar:

NM_001844.5(COL2A1):c.2780G>T (p.Gly927Val)

Gene: COL2A1 (collagen type II alpha 1 chain; minus strand). Cytogenetic location: 12q13.11.
Variant type: single nucleotide variant.
Coding change: c.2780G>T on transcript NM_001844.5 (MANE Select); coding-DNA position 2780, G replaced by T.
Protein change: p.Gly927Val; replaces glycine 927 with valine.
Molecular consequence: missense variant.
Genome position (GRCh38, 1-based): chr12:47,978,712, C>A on the plus strand (G>T on the coding strand, the complement: COL2A1 is on the minus strand). VCF-style: chr12-47978712-C-A. GRCh37 (hg19) VCF-style: chr12-48372495-C-A.
Other names: p.Gyl927Val; c.2573G>T, p.Gly858Val (NM_033150.3); short protein forms G858V, G927V.
Identifiers: ClinVar variation 1343392 (VCV001343392.2), dbSNP rs2540113631, ClinGen allele CA384542382.

ClinVar aggregate classification (germline): Pathogenic (0 of 4 stars; one submission).

Conditions:
Spondyloepiphyseal dysplasia congenita (SEDC). Also called: SED CONGENITA; SPONDYLOEPIPHYSEAL DYSPLASIA, CONGENITAL TYPE. Identifiers: Orphanet 94068, MedGen C2745959, MONDO:0008471, OMIM 183900.

Submission:

Hacettepe Pediatric Genetics Laboratory, Hacettepe University
Classification: Pathogenic for Spondyloepiphyseal dysplasia congenita. Last evaluated: 2022-03-10. Review status: no assertion criteria provided. Collection method: clinical testing. Allele origin: germline. Inheritance: Autosomal dominant inheritance. Affected: yes. Observed: 1 heterozygote.
Comment: This variant was neither found in ExAC nor HGMD. This change was classified as “pathogenic” according to the ACMG guidelines and predicted to be disease causing by in silico analysis such as MutationTaster.